The following is an entry in ClinVar:

NM_006939.4(SOS2):c.1889G>A (p.Arg630His)

Gene: SOS2 (SOS Ras/Rho guanine nucleotide exchange factor 2; minus strand). Cytogenetic location: 14q21.3.
Variant type: single nucleotide variant.
Coding change: c.1889G>A on transcript NM_006939.4 (MANE Select); coding-DNA position 1889, G replaced by A.
Protein change: p.Arg630His; replaces arginine 630 with histidine.
Molecular consequence: missense variant.
Genome position (GRCh38, 1-based): chr14:50,158,610, C>T on the plus strand (G>A on the coding strand, the complement: SOS2 is on the minus strand). VCF-style: chr14-50158610-C-T. GRCh37 (hg19) VCF-style: chr14-50625328-C-T.
Other names: c.1889G>A (NM_006939.3); short protein forms R630H.
Identifiers: ClinVar variation 714033 (VCV000714033.14), dbSNP rs754778456, ClinGen allele CA7177215.

ClinVar aggregate classification (germline): Likely benign. Review status: criteria provided, multiple submitters, no conflicts (2 of 4 stars). 4 submissions from 4 submitters: Likely benign (3). 1 of the submissions does not count toward it. Last evaluated 2025-11-03.

Conditions:
Noonan syndrome 9 (NS9). Identifiers: Orphanet 648, MedGen C4225282, MONDO:0014691, OMIM 616559.
SOS2-related disorder. Also called: SOS2-related condition.
Cardiovascular phenotype. Identifiers: MedGen CN230736.

Allele frequency attached by ClinVar (database versions not stated): gnomAD exomes 0.00002 and 0.00009; TOPMed 0.00006; ExAC 0.00013; gnomAD 0.00001.
gnomAD v4.1: 29 of 1,608,940 alleles (0.0018%); highest among the groups gnomAD compares: Admixed American, 0.037%; no homozygotes.

Submissions (4):

Labcorp Genetics (formerly Invitae), Labcorp
Classification: Likely benign for Noonan syndrome 9. Last evaluated: 2025-11-03. Review status: criteria provided, single submitter. Criteria: Invitae Variant Classification Sherloc (09022015). Collection method: clinical testing. Allele origin: germline.

Ambry Genetics
Classification: Likely benign for Cardiovascular phenotype. Last evaluated: 2025-03-25. Review status: criteria provided, single submitter. Criteria: Ambry Variant Classification Scheme 2023. Collection method: clinical testing. Allele origin: germline.

Women's Health and Genetics/Laboratory Corporation of America, LabCorp
Classification: Likely benign. Last evaluated: 2025-02-10. Review status: criteria provided, single submitter. Criteria: LabCorp Variant Classification Summary - May 2015. Collection method: clinical testing. Allele origin: germline.
Comment: Variant summary: SOS2 c.1889G>A (p.Arg630His) results in a non-conservative amino acid change located in the Guanine nucleotide exchange factor for Ras-like GTPases; N-terminal motif (IPR000651) of the encoded protein sequence. Four of five in-silico tools predict a damaging effect of the variant on protein function. The variant allele was found at a frequency of 9.2e-05 in 248810 control chromosomes, predominantly at a frequency of 0.00065 within the Latino subpopulation in the gnomAD database. The observed variant frequency within Latino control individuals in the gnomAD database is approximately 260 fold of the estimated maximal expected allele frequency for a pathogenic variant in SOS2 causing Noonan Syndrome phenotype (2.5e-06). To our knowledge, no occurrence of c.1889G>A in individuals affected with Noonan Syndrome and no experimental evidence demonstrating its impact on protein function have been reported. ClinVar contains an entry for this variant (Variation ID: 714033). Based on the evidence outlined above, the variant was classified as likely benign.

PreventionGenetics, part of Exact Sciences
Classification: Likely benign for SOS2-related condition. Last evaluated: 2022-03-18. Review status: no assertion criteria provided. Collection method: clinical testing. Allele origin: germline. Not counted in ClinVar's aggregate classification.
Comment: This variant is classified as likely benign based on ACMG/AMP sequence variant interpretation guidelines (Richards et al. 2015 PMID: 25741868, with internal and published modifications).